The following is an entry in ClinVar:

ClinVar aggregate classification (germline): Uncertain significance. Review status: criteria provided, multiple submitters, no conflicts (2 of 4 stars). 4 submissions from 4 submitters: Uncertain significance (4). Last evaluated 2025-06-14.

Conditions:
Sick sinus syndrome 2, autosomal dominant (SSS2). Also called: SINUS BRADYCARDIA SYNDROME, FAMILIAL, AUTOSOMAL DOMINANT; SINUS NODE DISEASE, FAMILIAL, AUTOSOMAL DOMINANT; ATRIAL FIBRILLATION WITH BRADYARRHYTHMIA; SICK SINUS SYNDROME 2; SICK SINUS SYNDROME 2 WITH OR WITHOUT CARDIAC NONCOMPACTION AND/OR ASCENDING AORTA DILATION. Identifiers: Orphanet 166282, MedGen C1834144, MONDO:0008102, OMIM 163800.
Brugada syndrome 8 (BRGDA8). Identifiers: Orphanet 130, MedGen C2751083, MONDO:0013148, OMIM 613123.
Epilepsy, idiopathic generalized, susceptibility to, 18. Identifiers: MedGen C5561983, MONDO:0030434, OMIM 619521.

Allele frequency attached by ClinVar (database versions not stated): ExAC 0.00001; gnomAD exomes 0.00001; TOPMed 0.00001; gnomAD 0.00002.
gnomAD v4.1: 14 of 1,600,864 alleles (0.00087%); highest among the groups gnomAD compares: South Asian, 0.0044%; no homozygotes.

Submissions (4):

Labcorp Genetics (formerly Invitae), Labcorp
Classification: Uncertain significance for Brugada syndrome 8. Last evaluated: 2025-06-14. Review status: criteria provided, single submitter. Criteria: Invitae Variant Classification Sherloc (09022015). Collection method: clinical testing. Allele origin: germline.
Comment: This sequence change replaces proline, which is neutral and non-polar, with leucine, which is neutral and non-polar, at codon 852 of the HCN4 protein (p.Pro852Leu). This variant is present in population databases (rs779241036, gnomAD 0.003%). This missense change has been observed in individual(s) with dilated cardiomyopathy and atrioventricular block (PMID: 28254188). ClinVar contains an entry for this variant (Variation ID: 289273). Invitae Evidence Modeling of protein sequence and biophysical properties (such as structural, functional, and spatial information, amino acid conservation, physicochemical variation, residue mobility, and thermodynamic stability) indicates that this missense variant is not expected to disrupt HCN4 protein function with a negative predictive value of 95%. In summary, the available evidence is currently insufficient to determine the role of this variant in disease. Therefore, it has been classified as a Variant of Uncertain Significance.

Mayo Clinic Laboratories, Mayo Clinic
Classification: Uncertain significance. Last evaluated: 2025-02-22. Review status: criteria provided, single submitter. Criteria: ACMG Guidelines, 2015. Collection method: clinical testing. Allele origin: germline. Observed: 1 variant allele.

Fulgent Genetics
Classification: Uncertain significance for Sick sinus syndrome 2, autosomal dominant; Brugada syndrome 8; Epilepsy, idiopathic generalized, susceptibility to, 18. Last evaluated: 2021-10-19. Review status: criteria provided, single submitter. Criteria: ACMG Guidelines, 2015. Collection method: clinical testing. Allele origin: unknown.

Eurofins Ntd Llc (ga)
Classification: Uncertain significance. Last evaluated: 2016-07-29. Review status: criteria provided, single submitter. Criteria: EGL Classification Definitions 2015. Collection method: clinical testing. Allele origin: germline. Observed: 1 variant allele, 1 heterozygote.

Literature cited by the submitters: PubMed 28254188 (cited by Labcorp Genetics (formerly Invitae), Labcorp).

NM_005477.3(HCN4):c.2555C>T (p.Pro852Leu)

Gene: HCN4 (hyperpolarization activated cyclic nucleotide gated potassium channel 4; minus strand). Cytogenetic location: 15q24.1.
Variant type: single nucleotide variant.
Coding change: c.2555C>T on transcript NM_005477.3 (MANE Select); coding-DNA position 2555, C replaced by T.
Protein change: p.Pro852Leu; replaces proline 852 with leucine.
Molecular consequence: missense variant.
Genome position (GRCh38, 1-based): chr15:73,323,538, G>A on the plus strand (C>T on the coding strand, the complement: HCN4 is on the minus strand). VCF-style: chr15-73323538-G-A. GRCh37 (hg19) VCF-style: chr15-73615879-G-A.
Other names: p.Pro852Leu; short protein forms P852L.
Identifiers: ClinVar variation 289273 (VCV000289273.16), dbSNP rs779241036, ClinGen allele CA7649001.